The following is an entry in ClinVar:

NM_015409.5(EP400):c.4640C>T (p.Ala1547Val)

Gene: EP400 (E1A binding protein p400; plus strand). Cytogenetic location: 12q24.33.
Variant type: single nucleotide variant.
Coding change: c.4640C>T on transcript NM_015409.5 (MANE Select); coding-DNA position 4640, C replaced by T.
Protein change: p.Ala1547Val; replaces alanine 1547 with valine.
Molecular consequence: missense variant.
Genome position (GRCh38, 1-based): chr12:132,021,271, C>T. VCF-style: chr12-132021271-C-T. GRCh37 (hg19) VCF-style: chr12-132505816-C-T.
Other names: short protein forms A1547V.
Identifiers: ClinVar variation 2362409 (VCV002362409.27), dbSNP rs771703326, ClinGen allele CA6885777.
Genomic context (GRCh38, chr12:132,021,271, plus strand): 5'-CCACCCCAGGCCAGCCCCCGCCCCAGCCCCAGGCCCCCTCGCACGCGGCCGGGCAGAGCG[C>T]GCTGCCTCAGAGGCTGGTGCTCCCCTCGCAGGCCCAGGCCCGCTTGCCCAGTAAGTGGCC-3'
Protein context (NP_056224.3, residues 1537-1557): QAPSHAAGQS[Ala1547Val]LPQRLVLPSQ

ClinVar aggregate classification (germline): Conflicting classifications of pathogenicity. Review status: criteria provided, conflicting classifications (1 of 4 stars). 2 submissions from 2 submitters: Uncertain significance (1); Likely benign (1). Last evaluated 2024-10-21.

Allele frequency attached by ClinVar (database versions not stated): ExAC 0.00008; gnomAD 0.00010.
gnomAD v4.1: 261 of 1,531,896 alleles (0.017%); highest among the groups gnomAD compares: Middle Eastern, 0.023%; no homozygotes.

Submissions (2):

Ambry Genetics
Classification: Uncertain significance. Last evaluated: 2024-10-21. Review status: criteria provided, single submitter. Criteria: Ambry Variant Classification Scheme 2023. Collection method: clinical testing. Allele origin: germline.

CeGaT Center for Human Genetics Tuebingen
Classification: Likely benign. Last evaluated: 2022-04-01. Review status: criteria provided, single submitter. Criteria: CeGaT Center For Human Genetics Tuebingen Variant Classification Criteria Version 2. Collection method: clinical testing. Allele origin: germline. Affected: yes. Observed: 1 variant allele.
Comment: EP400: BP4